The following is an entry in ClinVar:

ClinVar aggregate classification (germline): Uncertain significance. Review status: criteria provided, multiple submitters, no conflicts (2 of 4 stars). 2 submissions from 2 submitters: Uncertain significance (2). Last evaluated 2023-10-06.

Conditions:
Hypertrophic cardiomyopathy. Also called: HYPERTROPHIC MYOCARDIOPATHY. Identifiers: Orphanet 217569, MedGen C0007194, MeSH D002312, MONDO:0005045, HP:0001639.
Hypertrophic cardiomyopathy 10. Also called: MYL2-Related Familial Hypertrophic Cardiomyopathy; CARDIOMYOPATHY, HYPERTROPHIC, MID-LEFT VENTRICULAR CHAMBER TYPE, 2. Identifiers: MedGen C1834460, MONDO:0012112, OMIM 608758.

Submissions (2):

All of Us Research Program, National Institutes of Health
Classification: Uncertain significance for Hypertrophic cardiomyopathy. Last evaluated: 2023-10-06. Review status: criteria provided, single submitter. Criteria: ACMG Guidelines, 2015. Collection method: clinical testing. Allele origin: germline. Inheritance: Autosomal dominant inheritance. Observed: 1 variant allele, 1 heterozygote.
Comment: This missense variant replaces proline with arginine at codon 74 of the MYL2 protein. Computational prediction suggests that this variant may have deleterious impact on protein structure and function (internally defined REVEL score threshold >= 0.7, PMID: 27666373). To our knowledge, functional studies have not been reported for this variant. This variant has not been reported in individuals affected with MYL2-related disorders in the literature. This variant has not been identified in the general population by the Genome Aggregation Database (gnomAD). The available evidence is insufficient to determine the role of this variant in disease conclusively. Therefore, this variant is classified as a Variant of Uncertain Significance.

This study involves interpretation of variants in research participants for the purpose of population health screening. Participant phenotype was not available at the time of variant classification. Additional details can be found in publication PMID: 35346344, PMCID: PMC8962531

Labcorp Genetics (formerly Invitae), Labcorp
Classification: Uncertain significance for Hypertrophic cardiomyopathy 10. Last evaluated: 2022-05-02. Review status: criteria provided, single submitter. Criteria: Invitae Variant Classification Sherloc (09022015). Collection method: clinical testing. Allele origin: germline.
Comment: This sequence change replaces proline, which is neutral and non-polar, with arginine, which is basic and polar, at codon 74 of the MYL2 protein (p.Pro74Arg). This variant is not present in population databases (gnomAD no frequency). This variant has not been reported in the literature in individuals affected with MYL2-related conditions. Algorithms developed to predict the effect of missense changes on protein structure and function are either unavailable or do not agree on the potential impact of this missense change (SIFT: "Deleterious"; PolyPhen-2: "Possibly Damaging"; Align-GVGD: "Class C15"). In summary, the available evidence is currently insufficient to determine the role of this variant in disease. Therefore, it has been classified as a Variant of Uncertain Significance.

NM_000432.4(MYL2):c.221C>G (p.Pro74Arg)

Gene: MYL2 (myosin light chain 2; minus strand). Cytogenetic location: 12q24.11.
Variant type: single nucleotide variant.
Coding change: c.221C>G on transcript NM_000432.4 (MANE Select); coding-DNA position 221, C replaced by G.
Protein change: p.Pro74Arg; replaces proline 74 with arginine.
Molecular consequence: missense variant.
Genome position (GRCh38, 1-based): chr12:110,914,239, G>C on the plus strand (C>G on the coding strand, the complement: MYL2 is on the minus strand). VCF-style: chr12-110914239-G-C. GRCh37 (hg19) VCF-style: chr12-111352043-G-C.
Other names: c.179C>G, p.Pro60Arg (NM_001406745.1, NM_001406746.1); c.164C>G, p.Pro55Arg (NM_001406916.1); short protein forms P60R, P55R, P74R.
Identifiers: ClinVar variation 1982586 (VCV001982586.5), dbSNP rs942467544, ClinGen allele CA386698750.